The following is an entry in ClinVar:

ClinVar aggregate classification (germline): Uncertain significance (1 of 4 stars; one submission).

Conditions:
Marfan syndrome (MFS). Also called: MARFAN SYNDROME, TYPE I; Marfan syndrome type 1; Marfan's syndrome; Marfan syndrome, classic; FBN1-Related Marfan Syndrome. Identifiers: Orphanet 284963, Orphanet 558, MedGen C0024796, MONDO:0007947, OMIM 154700.
Familial thoracic aortic aneurysm and aortic dissection (TAAD). Also called: Thoracic aortic aneurysms and dissections. Identifiers: Orphanet 91387, MedGen C4707243, MONDO:0019625.

Submission:

Labcorp Genetics (formerly Invitae), Labcorp
Classification: Uncertain significance for Marfan syndrome; Familial thoracic aortic aneurysm and aortic dissection. Last evaluated: 2024-03-20. Review status: criteria provided, single submitter. Criteria: Invitae Variant Classification Sherloc (09022015). Collection method: clinical testing. Allele origin: germline.
Comment: This sequence change replaces threonine, which is neutral and polar, with serine, which is neutral and polar, at codon 1383 of the FBN1 protein (p.Thr1383Ser). This variant is not present in population databases (gnomAD no frequency). This variant has not been reported in the literature in individuals affected with FBN1-related conditions. Advanced modeling of protein sequence and biophysical properties (such as structural, functional, and spatial information, amino acid conservation, physicochemical variation, residue mobility, and thermodynamic stability) performed at Invitae indicates that this missense variant is expected to disrupt FBN1 protein function with a positive predictive value of 95%. In summary, the available evidence is currently insufficient to determine the role of this variant in disease. Therefore, it has been classified as a Variant of Uncertain Significance.

NM_000138.5(FBN1):c.4148C>G (p.Thr1383Ser)

Gene: FBN1 (fibrillin 1; minus strand). Cytogenetic location: 15q21.1.
Variant type: single nucleotide variant.
Coding change: c.4148C>G on transcript NM_000138.5 (MANE Select); coding-DNA position 4148, C replaced by G.
Protein change: p.Thr1383Ser; replaces threonine 1383 with serine.
Molecular consequence: missense variant.
Genome position (GRCh38, 1-based): chr15:48,474,317, G>C on the plus strand (C>G on the coding strand, the complement: FBN1 is on the minus strand). VCF-style: chr15-48474317-G-C. GRCh37 (hg19) VCF-style: chr15-48766514-G-C.
Other names: c.4148C>G, p.Thr1383Ser (NM_001406716.1); short protein forms T1383S.
Identifiers: ClinVar variation 3754075 (VCV003754075.2).
Genomic context (GRCh38, chr15:48,474,317, plus strand): 5'-GTACAAGTGAAGCCATCACCTGTGTATCCTTCCTTGCACAGACAGCGGTAAGATCCCATG[G>C]TATTCTTGCAGTCTGCATGCTGGCTGCACATATGGGTTCCATTGGAACATTCGTCCAGAT-3'
Protein context (NP_000129.3, residues 1373-1393): MCSQHADCKN[Thr1383Ser]MGSYRCLCKE